The following is an entry in ClinVar:

NM_020207.7(ERCC6L2):c.1778T>C (p.Val593Ala)

Gene: ERCC6L2 (ERCC excision repair 6 like 2; plus strand). Cytogenetic location: 9q22.32.
Variant type: single nucleotide variant.
Coding change: c.1778T>C on transcript NM_020207.7 (MANE Select); coding-DNA position 1778, T replaced by C.
Protein change: p.Val593Ala; replaces valine 593 with alanine.
Molecular consequence: missense variant. On other transcripts: non-coding transcript variant (1).
Genome position (GRCh38, 1-based): chr9:95,941,480, T>C. VCF-style: chr9-95941480-T-C. GRCh37 (hg19) VCF-style: chr9-98703762-T-C.
Other names: c.1778T>C, p.Val593Ala (NM_001010895.4, NM_001375291.1, NM_001375292.1 and 2 more transcripts); short protein forms V593A.
Identifiers: ClinVar variation 4870594 (VCV004870594.1).

ClinVar aggregate classification (germline): Uncertain significance (1 of 4 stars; one submission).

Conditions:
Inborn genetic diseases. Identifiers: MedGen C0950123, MeSH D030342.

gnomAD v4.1: 13 of 1,613,210 alleles (0.00081%); highest among the groups gnomAD compares: Non-Finnish European, 0.0011%; no homozygotes.

Submission:

Ambry Genetics
Classification: Uncertain significance for Inborn genetic diseases. Last evaluated: 2026-04-25. Review status: criteria provided, single submitter. Criteria: Ambry Variant Classification Scheme 2023. Collection method: clinical testing. Allele origin: germline.
Comment: The p.V593A variant (also known as c.1778T>C), located in coding exon 12 of the ERCC6L2 gene, results from a T to C substitution at nucleotide position 1778. The valine at codon 593 is replaced by alanine, an amino acid with similar properties. This amino acid position is conserved. In addition, this alteration is predicted to be tolerated by in silico analysis. Based on the available evidence, the clinical significance of this variant remains unclear.